The following is an entry in ClinVar:

ClinVar aggregate classification (germline): Uncertain significance (1 of 4 stars; one submission).

Conditions:
Capillary malformation-arteriovenous malformation syndrome. Also called: Capillary malformation-arteriovenous malformation. Identifiers: Orphanet 137667, MedGen C1842180, MONDO:0012016.

Submission:

Labcorp Genetics (formerly Invitae), Labcorp
Classification: Uncertain significance for Capillary malformation-arteriovenous malformation syndrome. Last evaluated: 2024-10-29. Review status: criteria provided, single submitter. Criteria: Invitae Variant Classification Sherloc (09022015). Collection method: clinical testing. Allele origin: germline.
Comment: This sequence change replaces serine, which is neutral and polar, with glycine, which is neutral and non-polar, at codon 594 of the RASA1 protein (p.Ser594Gly). This variant is not present in population databases (gnomAD no frequency). This variant has not been reported in the literature in individuals affected with RASA1-related conditions. ClinVar contains an entry for this variant (Variation ID: 956538). An algorithm developed to predict the effect of missense changes on protein structure and function (PolyPhen-2) suggests that this variant is likely to be disruptive. In summary, the available evidence is currently insufficient to determine the role of this variant in disease. Therefore, it has been classified as a Variant of Uncertain Significance.

NM_002890.3(RASA1):c.1780A>G (p.Ser594Gly)

Genes: CCNH (cyclin H; minus strand), RASA1 (RAS p21 protein activator 1; plus strand). Cytogenetic location: 5q14.3.
Variant type: single nucleotide variant.
Coding change: c.1780A>G on transcript NM_002890.3 (MANE Select); coding-DNA position 1780, A replaced by G.
Protein change: p.Ser594Gly; replaces serine 594 with glycine.
Molecular consequence: missense variant. On other transcripts: intron variant (1).
Genome position (GRCh38, 1-based): chr5:87,374,166, A>G. VCF-style: chr5-87374166-A-G. GRCh37 (hg19) VCF-style: chr5-86669983-A-G.
Other names: c.1249A>G, p.Ser417Gly (NM_022650.3); c.933+20878T>C (NM_001364075.2); short protein forms S417G, S594G.
Identifiers: ClinVar variation 956538 (VCV000956538.8), dbSNP rs1761152940, ClinGen allele CA360373522.